The following is an entry in ClinVar:

NM_000235.4(LIPA):c.353G>A (p.Gly118Asp)

Gene: LIPA (lipase A, lysosomal acid type; minus strand). Cytogenetic location: 10q23.31.
Variant type: single nucleotide variant.
Coding change: c.353G>A on transcript NM_000235.4 (MANE Select); coding-DNA position 353, G replaced by A.
Protein change: p.Gly118Asp; replaces glycine 118 with aspartic acid.
Molecular consequence: missense variant.
Genome position (GRCh38, 1-based): chr10:89,228,275, C>T on the plus strand (G>A on the coding strand, the complement: LIPA is on the minus strand). VCF-style: chr10-89228275-C-T. GRCh37 (hg19) VCF-style: chr10-90988032-C-T.
Other names: c.353G>A, p.Gly118Asp (NM_001127605.3, NM_001440818.1, NM_001440819.1 and 17 more transcripts); c.5G>A, p.Gly2Asp (NM_001288979.2); c.485G>A, p.Gly162Asp (NM_001440836.1); c.368G>A, p.Gly123Asp (NM_001440838.1); c.185G>A, p.Gly62Asp (NM_001440839.1); short protein forms G118D, G123D, G162D, G2D, G62D.
Identifiers: ClinVar variation 4847333 (VCV004847333.1).

ClinVar aggregate classification (germline): Uncertain significance (1 of 4 stars; one submission).

Submission:

Women's Health and Genetics/Laboratory Corporation of America, LabCorp
Classification: Uncertain significance. Last evaluated: 2026-03-11. Review status: criteria provided, single submitter. Criteria: LabCorp Variant Classification Summary - May 2015. Collection method: clinical testing. Allele origin: germline.
Comment: Variant summary: LIPA c.353G>A (p.Gly118Asp) results in a non-conservative amino acid change in the encoded protein sequence. Algorithms developed to predict the effect of missense changes on protein structure and function all suggest that this variant is likely to be disruptive. The variant was absent in 251452 control chromosomes. The available data on variant occurrences in the general population are insufficient to allow any conclusion about variant significance. This report does not provide unequivocal conclusions about association of the variant with LIPA-related conditions. To our knowledge, no experimental evidence demonstrating an impact on protein function has been reported. The following publication has been ascertained in the context of this evaluation (PMID: 37641143). No submitters have cited clinical-significance assessments for this variant to ClinVar. Based on the evidence outlined above, the variant was classified as uncertain significance.

Literature cited by the submitters: PubMed 37641143.